The following is an entry in ClinVar:

NM_018979.4(WNK1):c.4265T>G (p.Val1422Gly)

Gene: WNK1 (WNK lysine deficient protein kinase 1; plus strand). Cytogenetic location: 12p13.33.
Variant type: single nucleotide variant.
Coding change: c.4265T>G on transcript NM_018979.4 (MANE Select); coding-DNA position 4265, T replaced by G.
Protein change: p.Val1422Gly; replaces valine 1422 with glycine.
Molecular consequence: missense variant.
Genome position (GRCh38, 1-based): chr12:885,069, T>G. VCF-style: chr12-885069-T-G. GRCh37 (hg19) VCF-style: chr12-994235-T-G.
Other names: c.5045T>G, p.Val1682Gly (NM_001184985.2); c.3524T>G, p.Val1175Gly (NM_014823.3); c.5021T>G, p.Val1674Gly (NM_213655.5); short protein forms V1175G, V1422G, V1674G, V1682G.
Identifiers: ClinVar variation 811851 (VCV000811851.18), dbSNP rs779654189, ClinGen allele CA6382945.

ClinVar aggregate classification (germline): Uncertain significance. Review status: criteria provided, multiple submitters, no conflicts (2 of 4 stars). 4 submissions from 4 submitters: Uncertain significance (4). Last evaluated 2025-12-08.

Conditions:
Pseudohypoaldosteronism type 2C (PHA2C). Also called: Pseudohypoaldosteronism Type IIC. Identifiers: Orphanet 757, Orphanet 88940, MedGen C1840391, MONDO:0013778, OMIM 614492.
Neuropathy, hereditary sensory and autonomic, type 2A (HSAN2A). Also called: MORVAN DISEASE; NEUROPATHY, CONGENITAL SENSORY; NEUROPATHY, HEREDITARY SENSORY RADICULAR, AUTOSOMAL RECESSIVE; NEUROPATHY, HEREDITARY SENSORY, TYPE IIA; NEUROPATHY, PROGRESSIVE SENSORY, OF CHILDREN; WNK1-Related HSAN2 (HSAN2A). Identifiers: Orphanet 970, MedGen C2752089, MONDO:0024309, OMIM 201300.

Allele frequency attached by ClinVar (database versions not stated): ExAC 0.00002; TOPMed 0.00002; gnomAD exomes 0.00003; gnomAD 0.00004.
gnomAD v4.1: 47 of 1,614,066 alleles (0.0029%); highest among the groups gnomAD compares: Non-Finnish European, 0.004%; no homozygotes.

Submissions (4):

Labcorp Genetics (formerly Invitae), Labcorp
Classification: Uncertain significance for Neuropathy, hereditary sensory and autonomic, type 2A; Pseudohypoaldosteronism type 2C. Last evaluated: 2025-12-08. Review status: criteria provided, single submitter. Criteria: Invitae Variant Classification Sherloc (09022015). Collection method: clinical testing. Allele origin: germline.
Comment: This sequence change replaces valine, which is neutral and non-polar, with glycine, which is neutral and non-polar, at codon 1674 of the WNK1 protein (p.Val1674Gly). This variant is present in population databases (rs779654189, gnomAD 0.007%). This variant has not been reported in the literature in individuals affected with WNK1-related conditions. ClinVar contains an entry for this variant (Variation ID: 811851). Invitae Evidence Modeling of protein sequence and biophysical properties (such as structural, functional, and spatial information, amino acid conservation, physicochemical variation, residue mobility, and thermodynamic stability) indicates that this missense variant is not expected to disrupt WNK1 protein function with a negative predictive value of 95%. In summary, the available evidence is currently insufficient to determine the role of this variant in disease. Therefore, it has been classified as a Variant of Uncertain Significance.

Fulgent Genetics
Classification: Uncertain significance for Neuropathy, hereditary sensory and autonomic, type 2A; Pseudohypoaldosteronism type 2C. Last evaluated: 2024-05-23. Review status: criteria provided, single submitter. Criteria: ACMG Guidelines, 2015. Collection method: clinical testing. Allele origin: germline.

GeneDx
Classification: Uncertain significance. Last evaluated: 2020-07-06. Review status: criteria provided, single submitter. Criteria: GeneDx Variant Classification Process June 2021. Collection method: clinical testing. Allele origin: germline. Affected: yes.
Comment: In silico analysis supports that this missense variant has a deleterious effect on protein structure/function; Has not been previously published as pathogenic or benign to our knowledge

ARUP Laboratories, Molecular Genetics and Genomics, ARUP Laboratories
Classification: Uncertain significance. Last evaluated: 2018-12-26. Review status: criteria provided, single submitter. Criteria: ARUP Molecular Germline Variant Investigation Process. Collection method: clinical testing. Allele origin: germline.
Comment: The WNK1 c.4265T>G; p.Val1422Gly variant, to our knowledge, is not reported in the medical literature or gene specific databases. This variant is found in the non-Finnish European population with an allele frequency of 0.0077% (10/129,158 alleles) in the Genome Aggregation Database. The valine at codon 1422 is weakly conserved, and computational analyses (SIFT, PolyPhen-2) predict that this variant is tolerated. Due to limited information, the clinical significance of the p.Val1422Gly variant is uncertain at this time.